The following is an entry in ClinVar:

NM_004863.4(SPTLC2):c.173C>G (p.Pro58Arg)

Gene: SPTLC2 (serine palmitoyltransferase long chain base subunit 2; minus strand). Cytogenetic location: 14q24.3.
Variant type: single nucleotide variant.
Coding change: c.173C>G on transcript NM_004863.4 (MANE Select); coding-DNA position 173, C replaced by G.
Protein change: p.Pro58Arg; replaces proline 58 with arginine.
Molecular consequence: missense variant.
Genome position (GRCh38, 1-based): chr14:77,597,340, G>C on the plus strand (C>G on the coding strand, the complement: SPTLC2 is on the minus strand). VCF-style: chr14-77597340-G-C. GRCh37 (hg19) VCF-style: chr14-78063683-G-C.
Other names: c.173C>G (NM_004863.3); short protein forms P58R.
Identifiers: ClinVar variation 1511432 (VCV001511432.9), dbSNP rs371307729, ClinGen allele CA263850387.

ClinVar aggregate classification (germline): Uncertain significance. Review status: criteria provided, multiple submitters, no conflicts (2 of 4 stars). 2 submissions from 2 submitters: Uncertain significance (2). Last evaluated 2026-03-25.

Conditions:
Neuropathy, hereditary sensory and autonomic, type 1C. Also called: HSAN IC; HSN IC. Identifiers: Orphanet 36386, MedGen C3150896, MONDO:0013337, OMIM 613640.
SPTLC2-related disorder. Also called: SPTLC2-related condition.

Submissions (2):

PreventionGenetics, part of Exact Sciences
Classification: Uncertain significance for SPTLC2-related condition. Last evaluated: 2026-03-25. Review status: criteria provided, single submitter. Criteria: ACMG Guidelines, 2015. Collection method: clinical testing. Allele origin: germline.
Comment: The SPTLC2 c.173C>G variant is predicted to result in the amino acid substitution p.Pro58Arg. To our knowledge, this variant has not been reported in the literature or in a large population database (gnomAD), indicating this variant is rare. At this time, the clinical significance of this variant is uncertain due to the absence of conclusive functional and genetic evidence.

Labcorp Genetics (formerly Invitae), Labcorp
Classification: Uncertain significance for Neuropathy, hereditary sensory and autonomic, type 1C. Last evaluated: 2021-04-23. Review status: criteria provided, single submitter. Criteria: Invitae Variant Classification Sherloc (09022015). Collection method: clinical testing. Allele origin: germline.
Comment: In summary, the available evidence is currently insufficient to determine the role of this variant in disease. Therefore, it has been classified as a Variant of Uncertain Significance. Algorithms developed to predict the effect of missense changes on protein structure and function are either unavailable or do not agree on the potential impact of this missense change (SIFT: "Deleterious"; PolyPhen-2: "Benign"; Align-GVGD: "Class C0"). This variant has not been reported in the literature in individuals with SPTLC2-related conditions. This variant is not present in population databases (ExAC no frequency). This sequence change replaces proline with arginine at codon 58 of the SPTLC2 protein (p.Pro58Arg). The proline residue is highly conserved and there is a moderate physicochemical difference between proline and arginine.